The following is an entry in ClinVar:

NM_000038.6(APC):c.4095T>C (p.Gly1365=)

Gene: APC (APC regulator of Wnt signaling pathway; plus strand). Cytogenetic location: 5q22.2.
Variant type: single nucleotide variant.
Coding change: c.4095T>C on transcript NM_000038.6 (MANE Select); coding-DNA position 4095, T replaced by C.
Protein change: p.Gly1365=; no amino-acid change (glycine 1365 retained).
Molecular consequence: synonymous variant. On other transcripts: non-coding transcript variant (2).
Genome position (GRCh38, 1-based): chr5:112,839,689, T>C. VCF-style: chr5-112839689-T-C. GRCh37 (hg19) VCF-style: chr5-112175386-T-C.
Other names: c.4095T>C, p.Gly1365= (NM_001127510.3, NM_001354895.2, NM_001407450.1); c.4041T>C, p.Gly1347= (NM_001127511.3); c.4149T>C, p.Gly1383= (NM_001354896.2, NM_001407447.1, NM_001407448.1 and 1 more transcripts); c.4125T>C, p.Gly1375= (NM_001354897.2); c.4020T>C, p.Gly1340= (NM_001354898.2); c.4011T>C, p.Gly1337= (NM_001354899.2); c.3972T>C, p.Gly1324= (NM_001354900.2); c.3918T>C, p.Gly1306= (NM_001354901.2, NM_001407453.1); and 11 more.
Identifiers: ClinVar variation 3147992 (VCV003147992.1), dbSNP rs2149906319, ClinGen allele CA445964108.

ClinVar aggregate classification (germline): Benign (1 of 4 stars; one submission).

Conditions:
Familial adenomatous polyposis 1 (FAP1). Also called: POLYPOSIS, ADENOMATOUS INTESTINAL; FAMILIAL ADENOMATOUS POLYPOSIS 1, ATTENUATED. Identifiers: MedGen C2713442, MONDO:0021056, OMIM 175100. Disease mechanism: loss of function.

Submission:

Myriad Genetics, Inc.
Classification: Benign for Familial adenomatous polyposis 1. Last evaluated: 2024-03-25. Review status: criteria provided, single submitter. Criteria: Myriad Autosomal Dominant, Autosomal Recessive and X-Linked Classification Criteria (2023). Collection method: clinical testing. Allele origin: unknown.
Comment: This variant is considered benign. This variant is a silent/synonymous amino acid change and it is not expected to impact splicing.